The following is an entry in ClinVar:

ClinVar aggregate classification (germline): Uncertain significance (1 of 4 stars; one submission).

Conditions:
SEMA3F-related disorder. Also called: SEMA3F-related condition.

Submission:

PreventionGenetics, part of Exact Sciences
Classification: Uncertain significance for SEMA3F-related condition. Last evaluated: 2026-06-15. Review status: criteria provided, single submitter. Criteria: ACMG Guidelines, 2015. Collection method: clinical testing. Allele origin: germline.
Comment: The SEMA3F c.89C>T variant is predicted to result in the amino acid substitution p.Pro30Leu. To our knowledge, this variant has not been reported in the literature or in a large population database (gnomAD), indicating this variant is rare. At this time, the clinical significance of this variant is uncertain due to the absence of conclusive functional and genetic evidence.

NM_004186.5(SEMA3F):c.89C>T (p.Pro30Leu)

Gene: SEMA3F (semaphorin 3F; plus strand). Cytogenetic location: 3p21.31.
Variant type: single nucleotide variant.
Coding change: c.89C>T on transcript NM_004186.5 (MANE Select); coding-DNA position 89, C replaced by T.
Protein change: p.Pro30Leu; replaces proline 30 with leucine.
Molecular consequence: missense variant. On other transcripts: 5 prime UTR variant (1).
Genome position (GRCh38, 1-based): chr3:50,159,711, C>T. VCF-style: chr3-50159711-C-T. GRCh37 (hg19) VCF-style: chr3-50197144-C-T.
Other names: c.-116C>T (NM_001318798.2); c.89C>T, p.Pro30Leu (NM_001318800.2); short protein forms P30L.
Identifiers: ClinVar variation 4990943 (VCV004990943.1).